The following is an entry in ClinVar:

ClinVar aggregate classification (germline): Likely benign. Review status: criteria provided, multiple submitters, no conflicts (2 of 4 stars). 3 submissions from 3 submitters: Likely benign (3). Last evaluated 2025-12-06.

Conditions:
Dilated cardiomyopathy 1G (CMD1G). Identifiers: Orphanet 154, MedGen C1858763, MONDO:0011400, OMIM 604145.
Autosomal recessive limb-girdle muscular dystrophy type 2J (LGMDR10). Also called: Limb-girdle muscular dystrophy, type 2J; MUSCULAR DYSTROPHY, LIMB-GIRDLE, AUTOSOMAL RECESSIVE 10. Identifiers: Orphanet 140922, MedGen C1837342, MONDO:0012127, OMIM 608807.
Cardiovascular phenotype. Identifiers: MedGen CN230736.

Allele frequency attached by ClinVar (database versions not stated): gnomAD exomes below 0.00001 and 0.00001; gnomAD 0.00001; TOPMed 0.00001; ESP Exome Variant Server 0.00008.

Submissions (3):

Mayo Clinic Laboratories, Mayo Clinic
Classification: Likely benign. Last evaluated: 2025-12-06. Review status: criteria provided, single submitter. Criteria: ACMG Guidelines, 2015. Collection method: clinical testing. Allele origin: germline. Observed: 1 variant allele.
Comment: BP4, BP7

Labcorp Genetics (formerly Invitae), Labcorp
Classification: Likely benign for Dilated cardiomyopathy 1G; Autosomal recessive limb-girdle muscular dystrophy type 2J. Last evaluated: 2025-11-12. Review status: criteria provided, single submitter. Criteria: Invitae Variant Classification Sherloc (09022015). Collection method: clinical testing. Allele origin: germline.

Ambry Genetics
Classification: Likely benign for Cardiovascular phenotype. Last evaluated: 2020-11-08. Review status: criteria provided, single submitter. Criteria: Ambry Variant Classification Scheme 2023. Collection method: clinical testing. Allele origin: germline.

NM_001267550.2(TTN):c.2253A>G (p.Gln751=)

Gene: TTN (titin; minus strand). Cytogenetic location: 2q31.2.
Variant type: single nucleotide variant.
Coding change: c.2253A>G on transcript NM_001267550.2 (MANE Select); coding-DNA position 2253, A replaced by G.
Protein change: p.Gln751=; no amino-acid change (glutamine 751 retained).
Molecular consequence: synonymous variant.
Genome position (GRCh38, 1-based): chr2:178,785,965, T>C on the plus strand (A>G on the coding strand, the complement: TTN is on the minus strand). VCF-style: chr2-178785965-T-C. GRCh37 (hg19) VCF-style: chr2-179650692-T-C.
Other names: p.Gln751=; c.2253A>G, p.Gln751= (NM_001256850.1, NM_133378.4, NM_133379.5); c.2115A>G, p.Gln705= (NM_003319.4, NM_133432.3, NM_133437.4).
Identifiers: ClinVar variation 731938 (VCV000731938.13), dbSNP rs144495525, ClinGen allele CA60982760.